The following is an entry in ClinVar:

ClinVar aggregate classification (germline): Uncertain significance (1 of 4 stars; one submission).

Allele frequency attached by ClinVar (database versions not stated): gnomAD exomes 0.00001.

Submission:

CeGaT Center for Human Genetics Tuebingen
Classification: Uncertain significance. Last evaluated: 2022-05-01. Review status: criteria provided, single submitter. Criteria: CeGaT Center For Human Genetics Tuebingen Variant Classification Criteria Version 2. Collection method: clinical testing. Allele origin: germline. Affected: yes. Observed: 1 variant allele.
Comment: SETD1B: PM2, PP2, BP5

NM_001353345.2(SETD1B):c.4517C>T (p.Ala1506Val)

Gene: SETD1B (SET domain containing 1B, histone lysine methyltransferase; plus strand). Cytogenetic location: 12q24.31.
Variant type: single nucleotide variant.
Coding change: c.4517C>T on transcript NM_001353345.2 (MANE Select); coding-DNA position 4517, C replaced by T.
Protein change: p.Ala1506Val; replaces alanine 1506 with valine.
Molecular consequence: missense variant.
Genome position (GRCh38, 1-based): chr12:121,823,096, C>T. VCF-style: chr12-121823096-C-T. GRCh37 (hg19) VCF-style: chr12-122261002-C-T.
Other names: short protein forms A1506V.
Identifiers: ClinVar variation 1694688 (VCV001694688.31), dbSNP rs1462178615, ClinGen allele CA386999164.
Genomic context (GRCh38, chr12:121,823,096, plus strand): 5'-TGCCCGCCGTCTTGCGGGCCCAGGCTCGTGCGCCCACCCCGCTGCCACCCCTGCTGCCCG[C>T]CCCCCTGGCCTCTTGCCCTCCCCCAATGAAGAGGAAGCCGGGCCGGCCCCGGCGATCCCC-3'
Protein context (NP_001340274.1, residues 1496-1516): APTPLPPLLP[Ala1506Val]PLASCPPPMK